The following is an entry in ClinVar:

ClinVar aggregate classification (germline): Uncertain significance (1 of 4 stars; one submission).

Conditions:
Neuronal ceroid lipofuscinosis. Also called: Neuronal Ceroid Lipofuscinoses. Identifiers: Orphanet 216, Orphanet 79263, MedGen C0027877, MONDO:0016295. Disease mechanism: loss of function.

Allele frequency attached by ClinVar (database versions not stated): gnomAD exomes below 0.00001.
gnomAD v4.1: 2 of 1,613,814 alleles (0.00012%); highest among the groups gnomAD compares: East Asian, 0.0045%; no homozygotes.

Submission:

Labcorp Genetics (formerly Invitae), Labcorp
Classification: Uncertain significance for Neuronal ceroid lipofuscinosis. Last evaluated: 2021-10-27. Review status: criteria provided, single submitter. Criteria: Invitae Variant Classification Sherloc (09022015). Collection method: clinical testing. Allele origin: germline.
Comment: This sequence change replaces lysine, which is basic and polar, with arginine, which is basic and polar, at codon 54 of the CTSD protein (p.Lys54Arg). This variant is not present in population databases (gnomAD no frequency). This variant has not been reported in the literature in individuals affected with CTSD-related conditions. Algorithms developed to predict the effect of missense changes on protein structure and function are either unavailable or do not agree on the potential impact of this missense change (SIFT: "Tolerated"; PolyPhen-2: "Possibly Damaging"; Align-GVGD: "Class C0"). Algorithms developed to predict the effect of sequence changes on RNA splicing suggest that this variant may create or strengthen a splice site. In summary, the available evidence is currently insufficient to determine the role of this variant in disease. Therefore, it has been classified as a Variant of Uncertain Significance.

NM_001909.5(CTSD):c.161A>G (p.Lys54Arg)

Genes: PRADX (PRC2 and DDX5 associated lncRNA; plus strand), CTSD (cathepsin D; minus strand). Cytogenetic location: 11p15.5.
Variant type: single nucleotide variant.
Coding change: c.161A>G on transcript NM_001909.5 (MANE Select); coding-DNA position 161, A replaced by G.
Protein change: p.Lys54Arg; replaces lysine 54 with arginine.
Molecular consequence: missense variant.
Genome position (GRCh38, 1-based): chr11:1,761,376, T>C on the plus strand (A>G on the coding strand, the complement: CTSD is on the minus strand). VCF-style: chr11-1761376-T-C. GRCh37 (hg19) VCF-style: chr11-1782606-T-C.
Other names: short protein forms K54R.
Identifiers: ClinVar variation 1423340 (VCV001423340.3), dbSNP rs1565023298, ClinGen allele CA379099645.